The following is an entry in ClinVar:

NM_001184.4(ATR):c.3451-1G>A

Gene: ATR (ATR checkpoint kinase; minus strand). Cytogenetic location: 3q23.
Variant type: single nucleotide variant.
Coding change: c.3451-1G>A on transcript NM_001184.4 (MANE Select); the canonical splice acceptor site of the intron before coding-DNA position 3451, G replaced by A.
Molecular consequence: splice acceptor variant.
Genome position (GRCh38, 1-based): chr3:142,541,035, C>T on the plus strand (G>A on the coding strand, the complement: ATR is on the minus strand). VCF-style: chr3-142541035-C-T. GRCh37 (hg19) VCF-style: chr3-142259877-C-T.
Other names: c.3259-1G>A (NM_001354579.2).
Identifiers: ClinVar variation 2839006 (VCV002839006.3), dbSNP rs2473328720, ClinGen allele CA354808040.

ClinVar aggregate classification (germline): Likely pathogenic (1 of 4 stars; one submission).

Submission:

Labcorp Genetics (formerly Invitae), Labcorp
Classification: Likely pathogenic. Last evaluated: 2023-02-19. Review status: criteria provided, single submitter. Criteria: Invitae Variant Classification Sherloc (09022015). Collection method: clinical testing. Allele origin: germline.
Comment: In summary, the currently available evidence indicates that the variant is pathogenic, but additional data are needed to prove that conclusively. Therefore, this variant has been classified as Likely Pathogenic. Algorithms developed to predict the effect of sequence changes on RNA splicing suggest that this variant may disrupt the consensus splice site. This sequence change affects an acceptor splice site in intron 17 of the ATR gene. It is expected to disrupt RNA splicing. Variants that disrupt the donor or acceptor splice site typically lead to a loss of protein function (PMID: 16199547), and loss-of-function variants in ATR are known to be pathogenic (PMID: 21228398, 23144622). This variant is not present in population databases (gnomAD no frequency). This variant has not been reported in the literature in individuals affected with ATR-related conditions.

Literature cited by the submitters: PubMed 16199547; PubMed 21228398; PubMed 23144622.